The following is an entry in ClinVar:

ClinVar aggregate classification (germline): Uncertain significance (1 of 4 stars; one submission).

Conditions:
Autosomal recessive polycystic kidney disease (ARPKD). Also called: AR polycystic kidney disease. Identifiers: Orphanet 731, Orphanet 8378, MedGen C0085548, MeSH D017044, MONDO:0009889.

Submission:

Labcorp Genetics (formerly Invitae), Labcorp
Classification: Uncertain significance for Autosomal recessive polycystic kidney disease. Last evaluated: 2015-11-26. Review status: criteria provided, single submitter. Criteria: Invitae Variant Classification Sherloc (09022015). Collection method: clinical testing. Allele origin: germline.
Comment: This sequence change replaces glutamic acid with glutamine at codon 1161 of the PKHD1 protein (p.Glu1161Gln). The glutamic acid residue is moderately conserved and there is a small physicochemical difference between glutamic acid and glutamine. This variant is not present in population databases (ExAC no frequency) and has not been reported in the literature. In summary, this is a novel missense change that is not predicted to affect protein function or cause disease. However the evidence is insufficient at this time to prove that conclusively. It has been classified as a Variant of Uncertain Significance. The glutamine amino acid residue is found in multiple mammalian species, suggesting that this missense change does not adversely affect protein function. Furthermore, algorithms developed to predict the effect of missense changes on protein structure and function (SIFT, PolyPhen-2, Align-GVGD) all suggest that this variant is likely to be tolerated, but these predictions have not been confirmed by published functional studies.

NM_138694.4(PKHD1):c.3481G>C (p.Glu1161Gln)

Gene: PKHD1 (PKHD1 ciliary IPT domain containing fibrocystin/polyductin; minus strand). Cytogenetic location: 6p12.2.
Variant type: single nucleotide variant.
Coding change: c.3481G>C on transcript NM_138694.4 (MANE Select); coding-DNA position 3481, G replaced by C.
Protein change: p.Glu1161Gln; replaces glutamic acid 1161 with glutamine.
Molecular consequence: missense variant.
Genome position (GRCh38, 1-based): chr6:52,028,235, C>G on the plus strand (G>C on the coding strand, the complement: PKHD1 is on the minus strand). VCF-style: chr6-52028235-C-G. GRCh37 (hg19) VCF-style: chr6-51893033-C-G.
Other names: c.3481G>C, p.Glu1161Gln (NM_170724.3); short protein forms E1161Q.
Identifiers: ClinVar variation 241844 (VCV000241844.9), dbSNP rs878855202, ClinGen allele CA10582455.